The following is an entry in ClinVar:

NM_001371986.1(UNC80):c.8197C>T (p.Leu2733Phe)

Gene: UNC80 (unc-80 subunit of NALCN channel complex; plus strand). Cytogenetic location: 2q34.
Variant type: single nucleotide variant.
Coding change: c.8197C>T on transcript NM_001371986.1 (MANE Select); coding-DNA position 8197, C replaced by T.
Protein change: p.Leu2733Phe; replaces leucine 2733 with phenylalanine.
Molecular consequence: missense variant.
Genome position (GRCh38, 1-based): chr2:209,970,898, C>T. VCF-style: chr2-209970898-C-T. GRCh37 (hg19) VCF-style: chr2-210835622-C-T.
Other names: c.7999C>T, p.Leu2667Phe (NM_032504.2); c.7984C>T, p.Leu2662Phe (NM_182587.4); c.7999C>T (NM_032504.1); short protein forms L2733F, L2667F, L2662F.
Identifiers: ClinVar variation 1923415 (VCV001923415.3), dbSNP rs1423895865, ClinGen allele CA350412673.

ClinVar aggregate classification (germline): Uncertain significance. Review status: criteria provided, multiple submitters, no conflicts (2 of 4 stars). 2 submissions from 2 submitters: Uncertain significance (2). Last evaluated 2025-10-29.

Conditions:
Inborn genetic diseases. Identifiers: MedGen C0950123, MeSH D030342.

Allele frequency attached by ClinVar (database versions not stated): gnomAD 0.00001; TOPMed 0.00002.
gnomAD v4.1: 47 of 1,551,762 alleles (0.003%); highest among the groups gnomAD compares: East Asian, 0.0049%; no homozygotes.

Submissions (2):

Ambry Genetics
Classification: Uncertain significance for Inborn genetic diseases. Last evaluated: 2025-10-29. Review status: criteria provided, single submitter. Criteria: Ambry Variant Classification Scheme 2023. Collection method: clinical testing. Allele origin: germline.

Labcorp Genetics (formerly Invitae), Labcorp
Classification: Uncertain significance. Last evaluated: 2022-04-29. Review status: criteria provided, single submitter. Criteria: Invitae Variant Classification Sherloc (09022015). Collection method: clinical testing. Allele origin: germline.
Comment: This sequence change replaces leucine, which is neutral and non-polar, with phenylalanine, which is neutral and non-polar, at codon 2667 of the UNC80 protein (p.Leu2667Phe). This variant is present in population databases (no rsID available, gnomAD 0.002%). This variant has not been reported in the literature in individuals affected with UNC80-related conditions. Algorithms developed to predict the effect of missense changes on protein structure and function are either unavailable or do not agree on the potential impact of this missense change (SIFT: "Not Available"; PolyPhen-2: "Probably Damaging"; Align-GVGD: "Not Available"). In summary, the available evidence is currently insufficient to determine the role of this variant in disease. Therefore, it has been classified as a Variant of Uncertain Significance.